The following is an entry in ClinVar:

NM_004329.3(BMPR1A):c.1120G>T (p.Gly374Trp)

Gene: BMPR1A (bone morphogenetic protein receptor type 1A; plus strand). Cytogenetic location: 10q23.2.
Variant type: single nucleotide variant.
Coding change: c.1120G>T on transcript NM_004329.3 (MANE Select); coding-DNA position 1120, G replaced by T.
Protein change: p.Gly374Trp; replaces glycine 374 with tryptophan.
Molecular consequence: missense variant.
Genome position (GRCh38, 1-based): chr10:86,919,423, G>T. VCF-style: chr10-86919423-G-T. GRCh37 (hg19) VCF-style: chr10-88679180-G-T.
Other names: short protein forms G374W.
Identifiers: ClinVar variation 1510980 (VCV001510980.6), dbSNP rs2133593589, ClinGen allele CA377460956.
Genomic context (GRCh38, chr10:86,919,423, plus strand): 5'-GGAAAGCCCGCAATTGCTCATCGAGACCTAAAGAGCAAAAACATCCTCATCAAGAAAAAT[G>T]GGAGTTGCTGCATTGCTGACCTGGGCCTTGCTGTTAAATTCAACAGGTGAGTGGTTCTTT-3'
Protein context (NP_004320.2, residues 364-384): KSKNILIKKN[Gly374Trp]SCCIADLGLA

ClinVar aggregate classification (germline): Uncertain significance (1 of 4 stars; one submission).

Conditions:
Juvenile polyposis syndrome (JPS). Identifiers: Orphanet 2929, MedGen C0345893, MONDO:0017380, OMIM 174900.

Submission:

Labcorp Genetics (formerly Invitae), Labcorp
Classification: Uncertain significance for Juvenile polyposis syndrome. Last evaluated: 2021-08-07. Review status: criteria provided, single submitter. Criteria: Invitae Variant Classification Sherloc (09022015). Collection method: clinical testing. Allele origin: germline.
Comment: In summary, the available evidence is currently insufficient to determine the role of this variant in disease. Therefore, it has been classified as a Variant of Uncertain Significance. Advanced modeling of protein sequence and biophysical properties (such as structural, functional, and spatial information, amino acid conservation, physicochemical variation, residue mobility, and thermodynamic stability) performed at Invitae indicates that this missense variant is expected to disrupt BMPR1A protein function. This variant has not been reported in the literature in individuals affected with BMPR1A-related conditions. This variant is not present in population databases (ExAC no frequency). This sequence change replaces glycine with tryptophan at codon 374 of the BMPR1A protein (p.Gly374Trp). The glycine residue is highly conserved and there is a large physicochemical difference between glycine and tryptophan.